The following is an entry in ClinVar:

ClinVar aggregate classification (germline): Conflicting classifications of pathogenicity. Review status: criteria provided, conflicting classifications (1 of 4 stars). 2 submissions from 2 submitters: Likely pathogenic (1); Uncertain significance (1). Last evaluated 2025-09-03.

Conditions:
ATM-related cancer predisposition. Also called: ATM-related cancer susceptibility. Identifiers: MedGen CN377759, MONDO:0700270.

Submissions (2):

Clinical and Functional Genomics Group, A.C.Camargo Cancer Center
Classification: Likely pathogenic for ATM-related cancer predisposition. Last evaluated: 2025-09-03. Review status: criteria provided, single submitter. Criteria: CFGG ACC Assertion Criteria V1. Collection method: clinical testing. Allele origin: germline. Affected: yes.
Comment: The ATM c.7273G>A (p.Gly2425Ser) missense variant is located within the final 34 bp of exon 49 and results in the substitution of a nonpolar glycine residue with a polar serine in the FAT domain. This variant is absent from population databases (e.g., gnomAD) and has a single submission in ClinVar (VCV001686480.2). In silico protein function prediction (REVEL = 0.44) indicates uncertain impact. SpliceAI predicts loss of the canonical donor site (0.69) and gain of a cryptic donor site (0.14), suggesting a potential impact on pre-mRNA splicing. RNA evidence by cDNA capture and targeted cDNA sequencing demonstrated that the c.7273G>A substitution weakens the canonical donor splice site and strengthens a cryptic donor site located 4 nucleotides upstream of the variant. This led to a partial out-of-frame exon skipping event involving the last 38 nucleotides of exon 49, generating a premature termination codon (r.7270_7307del; p.(Val2424Ilefs*13)), that is is predicted to undergo nonsense-mediated decay (NMD) (internal data). Based on the above evidence and applying the recommended ACMG guidelines (Richards et al., 2015), updated with RNA-based evidence (Walker et al., 2023), this variant was classified as likely pathogenic (PVS1 (RNA), PM2_supporting).

Mendelics
Classification: Uncertain significance. Last evaluated: 2022-05-04. Review status: criteria provided, single submitter. Criteria: Mendelics Assertion Criteria 2019. Collection method: clinical testing. Allele origin: germline.

NM_000051.4(ATM):c.7273G>A (p.Gly2425Ser)

Genes: ATM (ATM serine/threonine kinase; plus strand), C11orf65 (chromosome 11 open reading frame 65; minus strand). Cytogenetic location: 11q22.3.
Variant type: single nucleotide variant.
Coding change: c.7273G>A on transcript NM_000051.4 (MANE Select); coding-DNA position 7273, G replaced by A.
Protein change: p.Gly2425Ser; replaces glycine 2425 with serine.
Molecular consequence: missense variant. On other transcripts: intron variant (2).
Genome position (GRCh38, 1-based): chr11:108,329,204, G>A. VCF-style: chr11-108329204-G-A. GRCh37 (hg19) VCF-style: chr11-108199931-G-A.
Other names: c.7273G>A, p.Gly2425Ser (NM_001351834.2); c.641-20133C>T (NM_001330368.2); c.*38+6016C>T (NM_001351110.2); short protein forms G2425S.
Identifiers: ClinVar variation 1686480 (VCV001686480.3), dbSNP rs2136421981, ClinGen allele CA382559770.
Genomic context (GRCh38, chr11:108,329,204, plus strand): 5'-ATGAAATCATCGGAATTTGAAAACAAGCAAGCTCTCCTGAAAAGAGCCAAAGAGGAAGTA[G>A]GTCTCCTTAGGGAACATAAAATTCAGACAAACAGGTAACTAGGTTTCTACAAGTGACAAT-3'
Protein context (NP_000042.3, residues 2415-2435): ALLKRAKEEV[Gly2425Ser]LLREHKIQTN